The following is an entry in ClinVar:

NM_005076.5(CNTN2):c.809G>A (p.Arg270Gln)

Gene: CNTN2 (contactin 2; plus strand). Cytogenetic location: 1q32.1.
Variant type: single nucleotide variant.
Coding change: c.809G>A on transcript NM_005076.5 (MANE Select); coding-DNA position 809, G replaced by A.
Protein change: p.Arg270Gln; replaces arginine 270 with glutamine.
Molecular consequence: missense variant. On other transcripts: non-coding transcript variant (1).
Genome position (GRCh38, 1-based): chr1:205,061,256, G>A. VCF-style: chr1-205061256-G-A. GRCh37 (hg19) VCF-style: chr1-205030384-G-A.
Other names: c.809G>A, p.Arg270Gln (NM_001346083.2); short protein forms R270Q.
Identifiers: ClinVar variation 2202028 (VCV002202028.1), dbSNP rs750581892, ClinGen allele CA1351170.
Genomic context (GRCh38, chr1:205,061,256, plus strand): 5'-GGGTAGGCCCAGCTCAGCCCACACCCTCTGGCTTTGTCTCTCCTGCCAGCCCTGTCCCCC[G>A]GATCAAGTGGCGCAAAGTGGACGGCTCCCTGTCCCCGCAGTGGACCACAGCTGAGCCCAC-3'
Protein context (NP_005067.1, residues 260-280): ECFAFGNPVP[Arg270Gln]IKWRKVDGSL

ClinVar aggregate classification (germline): Uncertain significance (1 of 4 stars; one submission).

Conditions:
Epilepsy, familial adult myoclonic, 5 (EPEO5). Also called: CORTICAL MYOCLONIC TREMOR WITH EPILEPSY, FAMILIAL, 5. Identifiers: Orphanet 86814, MedGen C3809374, MONDO:0014167, OMIM 615400.

Allele frequency attached by ClinVar (database versions not stated): gnomAD exomes 0.00001; ExAC 0.00002; gnomAD 0.00002; TOPMed 0.00002.
gnomAD v4.1: 20 of 1,609,746 alleles (0.0012%); highest among the groups gnomAD compares: Admixed American, 0.012%; no homozygotes.

Submission:

Labcorp Genetics (formerly Invitae), Labcorp
Classification: Uncertain significance for Epilepsy, familial adult myoclonic, 5. Last evaluated: 2022-10-17. Review status: criteria provided, single submitter. Criteria: Invitae Variant Classification Sherloc (09022015). Collection method: clinical testing. Allele origin: germline.
Comment: This sequence change replaces arginine, which is basic and polar, with glutamine, which is neutral and polar, at codon 270 of the CNTN2 protein (p.Arg270Gln). This variant is present in population databases (rs750581892, gnomAD 0.009%). This variant has not been reported in the literature in individuals affected with CNTN2-related conditions. Advanced modeling of protein sequence and biophysical properties (such as structural, functional, and spatial information, amino acid conservation, physicochemical variation, residue mobility, and thermodynamic stability) performed at Invitae indicates that this missense variant is not expected to disrupt CNTN2 protein function. In summary, the available evidence is currently insufficient to determine the role of this variant in disease. Therefore, it has been classified as a Variant of Uncertain Significance.